The following is an entry in ClinVar:

ClinVar aggregate classification (germline): Benign. Review status: criteria provided, multiple submitters, no conflicts (2 of 4 stars). 4 submissions from 4 submitters: Benign (4). Last evaluated 2026-02-02.

Conditions:
Infantile-onset X-linked spinal muscular atrophy. Also called: Spinal muscular atrophy, X-linked 2; AMC, DISTAL, X-LINKED; ARTHROGRYPOSIS, X-LINKED, TYPE I; SPINAL MUSCULAR ATROPHY, X-LINKED LETHAL INFANTILE; Spinal Muscular Atrophy, X-Linked Infantile. Identifiers: Orphanet 1145, MedGen C1844934, MONDO:0010532, OMIM 301830.

Allele frequency attached by ClinVar (database versions not stated): gnomAD exomes 0.00814 and 0.02253; ExAC 0.04681; gnomAD 0.08225 and 0.08744; TOPMed 0.09395; 1000 Genomes Project 0.09669; 1000 Genomes Project 30x 0.09865; ESP Exome Variant Server 0.10187.
gnomAD v4.1: 18,586 of 1,197,508 alleles (1.6%); highest among the groups gnomAD compares: African/African-American, 28%; 1,773 homozygotes.

Submissions (4):

Labcorp Genetics (formerly Invitae), Labcorp
Classification: Benign for Infantile-onset X-linked spinal muscular atrophy. Last evaluated: 2026-02-02. Review status: criteria provided, single submitter. Criteria: Invitae Variant Classification Sherloc (09022015). Collection method: clinical testing. Allele origin: germline.

Illumina Laboratory Services, Illumina
Classification: Benign for Infantile-onset X-linked spinal muscular atrophy. Last evaluated: 2018-01-13. Review status: criteria provided, single submitter. Criteria: ICSL Variant Classification Criteria 13 December 2019. Collection method: clinical testing. Allele origin: germline.
Comment: This variant was observed in the ICSL laboratory as part of a predisposition screen in an ostensibly healthy population. It had not been previously curated by ICSL or reported in the Human Gene Mutation Database (HGMD: prior to June 1st, 2018), and was therefore a candidate for classification through an automated scoring system. Utilizing variant allele frequency, disease prevalence and penetrance estimates, and inheritance mode, an automated score was calculated to assess if this variant is too frequent to cause the disease. Based on the score and internal cut-off values, a variant classified as benign is not then subjected to further curation. The score for this variant resulted in a classification of benign for this disease.

GeneDx
Classification: Benign. Last evaluated: 2016-03-04. Review status: criteria provided, single submitter. Criteria: GeneDx Variant Classification (06012015). Collection method: clinical testing. Allele origin: germline. Affected: yes.
Comment: This variant is considered likely benign or benign based on one or more of the following criteria: it is a conservative change, it occurs at a poorly conserved position in the protein, it is predicted to be benign by multiple in silico algorithms, and/or has population frequency not consistent with disease.

Breakthrough Genomics
Classification: Benign. Review status: criteria provided, single submitter. Criteria: ACMG Guidelines, 2015. Collection method: not provided. Allele origin: germline. Inheritance: Other. Affected: yes.

NM_003334.4(UBA1):c.1742-11G>C

Gene: UBA1 (ubiquitin like modifier activating enzyme 1; plus strand). Cytogenetic location: Xp11.3.
Variant type: single nucleotide variant.
Coding change: c.1742-11G>C on transcript NM_003334.4 (MANE Select); 11 bases into the intron before coding-DNA position 1742, G replaced by C.
Molecular consequence: intron variant.
Genome position (GRCh38, 1-based): chrX:47,206,237, G>C. VCF-style: chrX-47206237-G-C. GRCh37 (hg19) VCF-style: chrX-47065636-G-C.
Other names: c.1742-11G>C (NM_153280.3).
Identifiers: ClinVar variation 368340 (VCV000368340.13), dbSNP rs5953010, ClinGen allele CA10395997.